The following is an entry in ClinVar:

ClinVar aggregate classification (germline): Uncertain significance. Review status: criteria provided, multiple submitters, no conflicts (2 of 4 stars). 2 submissions from 2 submitters: Uncertain significance (2). Last evaluated 2025-02-10.

Conditions:
2-aminoadipic 2-oxoadipic aciduria (AAKAD). Also called: Aminoadipic aciduria; ALPHA-AMINOADIPIC AND ALPHA-KETOADIPIC ACIDURIA. Identifiers: Orphanet 79154, MedGen C1859817, MONDO:0008774, OMIM 204750.
Inborn genetic diseases. Identifiers: MedGen C0950123, MeSH D030342.

gnomAD v4.1: 13 of 1,608,522 alleles (0.00081%); highest among the groups gnomAD compares: East Asian, 0.02%; no homozygotes.

Submissions (2):

Labcorp Genetics (formerly Invitae), Labcorp
Classification: Uncertain significance for 2-aminoadipic 2-oxoadipic aciduria. Last evaluated: 2025-02-10. Review status: criteria provided, single submitter. Criteria: Invitae Variant Classification Sherloc (09022015). Collection method: clinical testing. Allele origin: germline.
Comment: This sequence change replaces arginine, which is basic and polar, with glutamine, which is neutral and polar, at codon 834 of the DHTKD1 protein (p.Arg834Gln). This variant is present in population databases (rs776055556, gnomAD 0.04%). This variant has not been reported in the literature in individuals affected with DHTKD1-related conditions. ClinVar contains an entry for this variant (Variation ID: 3271834). Invitae Evidence Modeling of protein sequence and biophysical properties (such as structural, functional, and spatial information, amino acid conservation, physicochemical variation, residue mobility, and thermodynamic stability) indicates that this missense variant is expected to disrupt DHTKD1 protein function with a positive predictive value of 80%. In summary, the available evidence is currently insufficient to determine the role of this variant in disease. Therefore, it has been classified as a Variant of Uncertain Significance.

Ambry Genetics
Classification: Uncertain significance for Inborn genetic diseases. Last evaluated: 2024-03-29. Review status: criteria provided, single submitter. Criteria: Ambry Variant Classification Scheme 2023. Collection method: clinical testing. Allele origin: germline.

NM_018706.7(DHTKD1):c.2501G>A (p.Arg834Gln)

Gene: DHTKD1 (dehydrogenase E1 and transketolase domain containing 1; plus strand). Cytogenetic location: 10p14.
Variant type: single nucleotide variant.
Coding change: c.2501G>A on transcript NM_018706.7 (MANE Select); coding-DNA position 2501, G replaced by A.
Protein change: p.Arg834Gln; replaces arginine 834 with glutamine.
Molecular consequence: missense variant.
Genome position (GRCh38, 1-based): chr10:12,118,847, G>A. VCF-style: chr10-12118847-G-A. GRCh37 (hg19) VCF-style: chr10-12160846-G-A.
Other names: short protein forms R834Q.
Identifiers: ClinVar variation 3271834 (VCV003271834.3).